The following is an entry in ClinVar:

ClinVar aggregate classification (germline): Uncertain significance. Review status: criteria provided, multiple submitters, no conflicts (2 of 4 stars). 5 submissions from 5 submitters: Uncertain significance (5). Last evaluated 2025-02-07.

Allele frequency attached by ClinVar (database versions not stated): ESP Exome Variant Server 0.00015; 1000 Genomes Project 30x 0.00016; 1000 Genomes Project 0.00020; ExAC 0.00030; gnomAD exomes 0.00033; TOPMed 0.00037; gnomAD 0.00042.
gnomAD v4.1: 835 of 1,614,212 alleles (0.052%); highest among the groups gnomAD compares: Non-Finnish European, 0.068%; 3 homozygotes.

Submissions (5):

Mayo Clinic Laboratories, Mayo Clinic
Classification: Uncertain significance. Last evaluated: 2025-02-07. Review status: criteria provided, single submitter. Criteria: ACMG Guidelines, 2015. Collection method: clinical testing. Allele origin: germline. Observed: 1 variant allele.
Comment: BS2_supporting, PM1_supporting

Labcorp Genetics (formerly Invitae), Labcorp
Classification: Uncertain significance. Last evaluated: 2024-01-22. Review status: criteria provided, single submitter. Criteria: Invitae Variant Classification Sherloc (09022015). Collection method: clinical testing. Allele origin: germline.
Comment: This sequence change replaces isoleucine, which is neutral and non-polar, with threonine, which is neutral and polar, at codon 89 of the TBXAS1 protein (p.Ile89Thr). This variant is present in population databases (rs184269562, gnomAD 0.07%). This missense change has been observed in individual(s) with clinical features of Ghosal hematodiaphyseal dysplasia (PMID: 28868793). ClinVar contains an entry for this variant (Variation ID: 444734). An algorithm developed to predict the effect of missense changes on protein structure and function (PolyPhen-2) suggests that this variant is likely to be disruptive. In summary, the available evidence is currently insufficient to determine the role of this variant in disease. Therefore, it has been classified as a Variant of Uncertain Significance.

Women's Health and Genetics/Laboratory Corporation of America, LabCorp
Classification: Uncertain significance. Last evaluated: 2023-10-20. Review status: criteria provided, single submitter. Criteria: LabCorp Variant Classification Summary - May 2015. Collection method: clinical testing. Allele origin: germline.
Comment: Variant summary: TBXAS1 c.263T>C (p.Ile88Thr) results in a non-conservative amino acid change in the encoded protein sequence. Three of five in-silico tools predict a damaging effect of the variant on protein function. The variant allele was found at a frequency of 0.00033 in 251424 control chromosomes in the gnomAD database, including 1 homozygotes. c.266T>C has been reported in the literature in individuals affected with Ghosal Hematodiaphyseal Dysplasia (Sharma_2018). This report does not provide unequivocal conclusions about association of the variant with Ghosal Hematodiaphyseal Dysplasia. To our knowledge, no experimental evidence demonstrating an impact on protein function has been reported. The following publication have been ascertained in the context of this evaluation (PMID: 28868793).Three submitters have cited clinical-significance assessments for this variant to ClinVar after 2014. All submitters classified the variant as uncertain significance. Based on the evidence outlined above, the variant was classified as uncertain significance.

GeneDx
Classification: Uncertain significance. Last evaluated: 2020-06-17. Review status: criteria provided, single submitter. Criteria: GeneDx Variant Classification Process June 2021. Collection method: clinical testing. Allele origin: germline. Affected: yes.
Comment: In silico analysis supports that this missense variant has a deleterious effect on protein structure/function; This variant is associated with the following publications: (PMID: 28868793)

CeGaT Center for Human Genetics Tuebingen
Classification: Uncertain significance. Last evaluated: 2017-04-01. Review status: criteria provided, single submitter. Criteria: CeGaT Center For Human Genetics Tuebingen Variant Classification Criteria Version 2. Collection method: clinical testing. Allele origin: germline. Affected: yes. Observed: 1 variant allele.

Literature cited by the submitters: PubMed 28868793 (cited by 3 submitters); PubMed 37647632 (cited by Mayo Clinic Laboratories, Mayo Clinic).

NM_001061.7(TBXAS1):c.263T>C (p.Ile88Thr)

Gene: TBXAS1 (thromboxane A synthase 1; plus strand). Cytogenetic location: 7q34.
Variant type: single nucleotide variant.
Coding change: c.263T>C on transcript NM_001061.7 (MANE Select); coding-DNA position 263, T replaced by C.
Protein change: p.Ile88Thr; replaces isoleucine 88 with threonine.
Molecular consequence: missense variant. On other transcripts: intron variant (1).
Genome position (GRCh38, 1-based): chr7:139,911,251, T>C. VCF-style: chr7-139911251-T-C. GRCh37 (hg19) VCF-style: chr7-139611050-T-C.
Other names: p.Ile88Thr; c.263T>C, p.Ile88Thr (NM_001130966.5, NM_001166253.4, NM_001366538.2 and 1 more transcripts); c.62T>C, p.Ile21Thr (NM_001166254.4); c.206T>C, p.Ile69Thr (NM_001314028.4); c.151-24940T>C (NM_001366537.3); c.263T>C (NM_001061.6); short protein forms I21T, I88T, I69T.
Identifiers: ClinVar variation 444734 (VCV000444734.50), dbSNP rs184269562, ClinGen allele CA4511558.
Genomic context (GRCh38, chr7:139,911,251, plus strand): 5'-CAACACATTTTAATGCATTTTTTATTCCTCCCAGGTACTATCTTGGTCGTCGGATGTTTA[T>C]TGTTATTTCTGAGCCAGACATGATCAAGCAGGTGTTGGTTGAGAACTTCAGTAACTTTAC-3'
Protein context (NP_001052.3, residues 78-98): CGYYLGRRMF[Ile88Thr]VISEPDMIKQ